The following is an entry in ClinVar:

NM_032634.4(PIGO):c.780-125C>T

Gene: PIGO (phosphatidylinositol glycan anchor biosynthesis class O; minus strand). Cytogenetic location: 9p13.3.
Variant type: single nucleotide variant.
Coding change: c.780-125C>T on transcript NM_032634.4 (MANE Select); 125 bases into the intron before coding-DNA position 780, C replaced by T.
Molecular consequence: intron variant.
Genome position (GRCh38, 1-based): chr9:35,093,705, G>A on the plus strand (C>T on the coding strand, the complement: PIGO is on the minus strand). VCF-style: chr9-35093705-G-A. GRCh37 (hg19) VCF-style: chr9-35093702-G-A.
Other names: c.780-125C>T (NM_152850.4, NM_001201484.2).
Identifiers: ClinVar variation 672891 (VCV000672891.2), dbSNP rs2240114, ClinGen allele CA192714795.

ClinVar aggregate classification (germline): Benign. Review status: criteria provided, multiple submitters, no conflicts (2 of 4 stars). 2 submissions from 2 submitters: Benign (2). Last evaluated 2018-06-19.

Allele frequency attached by ClinVar (database versions not stated): gnomAD exomes 0.00901; gnomAD 0.02438 and 0.02577; TOPMed 0.02679; 1000 Genomes Project 0.04832; 1000 Genomes Project 30x 0.04856.

Submissions (2):

GeneDx
Classification: Benign. Last evaluated: 2018-06-19. Review status: criteria provided, single submitter. Criteria: GeneDx Variant Classification (06012015). Collection method: clinical testing. Allele origin: germline. Affected: yes.
Comment: This variant is considered likely benign or benign based on one or more of the following criteria: it is a conservative change, it occurs at a poorly conserved position in the protein, it is predicted to be benign by multiple in silico algorithms, and/or has population frequency not consistent with disease.

Breakthrough Genomics
Classification: Benign. Review status: criteria provided, single submitter. Criteria: ACMG Guidelines, 2015. Collection method: not provided. Allele origin: germline. Inheritance: Autosomal recessive inheritance. Affected: yes.